The following is an entry in ClinVar:

NM_024675.4(PALB2):c.1059_1075del (p.Lys353_Ser354insTer)

Gene: PALB2 (partner and localizer of BRCA2; minus strand). Cytogenetic location: 16p12.2.
Variant type: Deletion.
Coding change: c.1059_1075del on transcript NM_024675.4 (MANE Select); coding-DNA positions 1059 to 1075, 17 bases deleted (ATCTTTAAAATCTCCCA).
Protein change: p.Lys353_Ser354insTer.
Molecular consequence: frameshift variant.
Genome position (GRCh38, 1-based): chr16:23,635,471-23,635,487, TGGGAGATTTTAAAGAT deleted on the plus strand (ATCTTTAAAATCTCCCA on the coding strand, the reverse complement: PALB2 is on the minus strand); deleting any 17 consecutive bases within chr16:23,635,471-23,635,488 gives the same sequence; the c. name uses the placement nearest the transcript's 3' end. VCF-style (leftmost placement, unchanged base first): chr16-23635470-CTGGGAGATTTTAAAGAT-C. GRCh37 (hg19) VCF-style: chr16-23646791-CTGGGAGATTTTAAAGAT-C.
Other names: c.1059_1075del17 (NM_024675.4).
Identifiers: ClinVar variation 3385058 (VCV003385058.1), dbSNP rs1443637540.

ClinVar aggregate classification (germline): Pathogenic (1 of 4 stars; one submission).

Conditions:
Malignant tumor of breast. Also called: Malignant breast neoplasm; Cancer breast. Identifiers: MedGen C0006142, MONDO:0007254. Disease mechanism: loss of function.

Submission:

Women's Health and Genetics/Laboratory Corporation of America, LabCorp
Classification: Pathogenic for Malignant tumor of breast. Last evaluated: 2024-10-28. Review status: criteria provided, single submitter. Criteria: LabCorp Variant Classification Summary - May 2015. Collection method: clinical testing. Allele origin: germline.
Comment: Variant summary: PALB2 c.1059_1075del17 (p.Ser354X) results in a premature termination codon, predicted to cause absence of the protein due to nonsense mediated decay, which is a commonly known mechanism for disease. The variant allele was found at a frequency of 4e-06 in 251332 control chromosomes (gnomAD). To our knowledge, no occurrence of c.1059_1075del17 in individuals affected with Breast Cancer and no experimental evidence demonstrating its impact on protein function have been reported. No submitters have cited clinical-significance assessments for this variant to ClinVar. Based on the evidence outlined above, the variant was classified as pathogenic.